The following is an entry in ClinVar:

ClinVar aggregate classification (germline): Conflicting classifications of pathogenicity. Review status: criteria provided, conflicting classifications (1 of 4 stars). 5 submissions from 5 submitters: Uncertain significance (2); Benign (2); Likely benign (1). Last evaluated 2026-02-01.

Conditions:
Hermansky-Pudlak syndrome 1 (HPS1). Also called: DELTA STORAGE POOL DISEASE. Identifiers: Orphanet 231500, Orphanet 79430, MedGen C2931875, MONDO:0008748, OMIM 203300.

Allele frequency attached by ClinVar (database versions not stated): gnomAD exomes 0.00099 and 0.00119; ExAC 0.00240; gnomAD 0.00275 and 0.00290; ESP Exome Variant Server 0.00295; TOPMed 0.00317; 1000 Genomes Project 30x 0.00390; 1000 Genomes Project 0.00419.
gnomAD v4.1: 1,814 of 1,558,602 alleles (0.12%); highest among the groups gnomAD compares: African/African-American, 0.77%; 3 homozygotes.

Submissions (5):

Labcorp Genetics (formerly Invitae), Labcorp
Classification: Benign. Last evaluated: 2026-02-01. Review status: criteria provided, single submitter. Criteria: Invitae Variant Classification Sherloc (09022015). Collection method: clinical testing. Allele origin: germline.

Blueprint Genetics
Classification: Uncertain significance. Last evaluated: 2024-11-13. Review status: criteria provided, single submitter. Criteria: ACMG Guidelines, 2015. Collection method: clinical testing. Allele origin: germline.

GeneDx
Classification: Uncertain significance. Last evaluated: 2022-09-27. Review status: criteria provided, single submitter. Criteria: GeneDx Variant Classification Process June 2021. Collection method: clinical testing. Allele origin: germline. Affected: yes.
Comment: In silico analysis, which includes protein predictors and evolutionary conservation, supports a deleterious effect; Has not been previously published as pathogenic or benign to our knowledge

Illumina Laboratory Services, Illumina
Classification: Benign for Hermansky-Pudlak syndrome 1. Last evaluated: 2017-04-27. Review status: criteria provided, single submitter. Criteria: ICSL Variant Classification Criteria 13 December 2019. Collection method: clinical testing. Allele origin: germline.
Comment: This variant was observed as part of a predisposition screen in an ostensibly healthy population. A literature search was performed for the gene, cDNA change, and amino acid change (where applicable). No publications were found based on this search. Allele frequency data from public databases was too high to be consistent with this variant causing disease. Therefore, this variant is classified as benign.

Genetic Services Laboratory, University of Chicago
Classification: Likely benign. Last evaluated: 2015-05-15. Review status: criteria provided, single submitter. Criteria: ACMG Guidelines, 2015. Collection method: clinical testing. Allele origin: germline.

NM_000195.5(HPS1):c.478C>T (p.Arg160Trp)

Gene: HPS1 (HPS1 biogenesis of lysosomal organelles complex 3 subunit 1; minus strand). Cytogenetic location: 10q24.2.
Variant type: single nucleotide variant.
Coding change: c.478C>T on transcript NM_000195.5 (MANE Select); coding-DNA position 478, C replaced by T.
Protein change: p.Arg160Trp; replaces arginine 160 with tryptophan.
Molecular consequence: missense variant. On other transcripts: 5 prime UTR variant (3).
Genome position (GRCh38, 1-based): chr10:98,434,012, G>A on the plus strand (C>T on the coding strand, the complement: HPS1 is on the minus strand). VCF-style: chr10-98434012-G-A. GRCh37 (hg19) VCF-style: chr10-100193769-G-A.
Other names: c.-439C>T (NM_001311345.2, NM_001322489.2); c.478C>T, p.Arg160Trp (NM_001322476.2, NM_001322477.2, NM_001322478.2 and 5 more transcripts); c.335C>T, p.Ala112Val (NM_001322480.2, NM_001322481.2, NM_001322482.2); c.109C>T, p.Arg37Trp (NM_001322483.2, NM_001322484.2, NM_001322485.2); c.-538C>T (NM_001322487.2); short protein forms R160W, A112V, R37W.
Identifiers: ClinVar variation 211149 (VCV000211149.25), dbSNP rs142893758, ClinGen allele CA209810.